The following is an entry in ClinVar:

NM_001009944.3(PKD1):c.802G>A (p.Val268Ile)

Gene: PKD1 (polycystin 1, transient receptor potential channel interacting; minus strand). Cytogenetic location: 16p13.3.
Variant type: single nucleotide variant.
Coding change: c.802G>A on transcript NM_001009944.3 (MANE Select); coding-DNA position 802, G replaced by A.
Protein change: p.Val268Ile; replaces valine 268 with isoleucine.
Molecular consequence: missense variant.
Genome position (GRCh38, 1-based): chr16:2,118,190, C>T on the plus strand (G>A on the coding strand, the complement: PKD1 is on the minus strand). VCF-style: chr16-2118190-C-T. GRCh37 (hg19) VCF-style: chr16-2168191-C-T.
Other names: c.802G>A, p.Val268Ile (NM_000296.4); short protein forms V268I.
Identifiers: ClinVar variation 1312025 (VCV001312025.4), dbSNP rs566531762, ClinGen allele CA7833663.

ClinVar aggregate classification (germline): Uncertain significance. Review status: criteria provided, multiple submitters, no conflicts (2 of 4 stars). 3 submissions from 3 submitters: Uncertain significance (3). Last evaluated 2025-12-08.

Conditions:
PKD1-related disorder. Also called: PKD1-related condition.
Polycystic kidney disease, adult type (PKD1). Also called: POLYCYSTIC KIDNEY DISEASE, ADULT, TYPE I; Polycystic Kidney Disease 1, Autosomal Dominant; Polycystic kidney disease 1; Polycystic kidney disease 1, severe; Polycystic Kidney, Autosomal Dominant; POLYCYSTIC KIDNEY DISEASE 1 WITH OR WITHOUT POLYCYSTIC LIVER DISEASE. Identifiers: MedGen C3149841, MONDO:0008263, OMIM 173900.

Allele frequency attached by ClinVar (database versions not stated): gnomAD 0.00001 and 0.00002; gnomAD exomes 0.00001 and 0.00005; TOPMed 0.00001; ExAC 0.00018; 1000 Genomes Project 30x 0.00031; 1000 Genomes Project 0.00040.
gnomAD v4.1: 22 of 1,550,446 alleles (0.0014%); highest among the groups gnomAD compares: Admixed American, 0.0058%; no homozygotes.

Submissions (3):

PreventionGenetics, part of Exact Sciences
Classification: Uncertain significance for PKD1-related condition. Last evaluated: 2025-12-08. Review status: criteria provided, single submitter. Criteria: ACMG Guidelines, 2015. Collection method: clinical testing. Allele origin: germline.
Comment: The PKD1 c.802G>A variant is predicted to result in the amino acid substitution p.Val268Ile. This variant has been reported with uncertain significance in an individual with autosomal dominant polycystic kidney disease (Supplementary Table S6, Carrera et al. 2016. PubMed ID: 27499327). This variant is reported in 0.0087% of alleles in individuals of South Asian descent in gnomAD. At this time, the clinical significance of this variant is uncertain due to the absence of conclusive functional and genetic evidence.

Fulgent Genetics
Classification: Uncertain significance for Polycystic kidney disease, adult type. Last evaluated: 2022-01-05. Review status: criteria provided, single submitter. Criteria: ACMG Guidelines, 2015. Collection method: clinical testing. Allele origin: unknown.

GeneDx
Classification: Uncertain significance. Last evaluated: 2020-01-15. Review status: criteria provided, single submitter. Criteria: GeneDx Variant Classification Process June 2021. Collection method: clinical testing. Allele origin: germline. Affected: yes.
Comment: In silico analysis, which includes protein predictors and evolutionary conservation, supports that this variant does not alter protein structure/function; Has not been previously published as pathogenic or benign to our knowledge